The following is an entry in ClinVar:

ClinVar aggregate classification (germline): Uncertain significance (1 of 4 stars; one submission).

gnomAD v4.1: 1 of 1,609,586 alleles (0.000062%); highest among the groups gnomAD compares: Non-Finnish European, 0.000085%; no homozygotes.

Submission:

GeneDx
Classification: Uncertain significance. Last evaluated: 2024-05-30. Review status: criteria provided, single submitter. Criteria: GeneDx Variant Classification Process June 2021. Collection method: clinical testing. Allele origin: germline. Affected: yes.
Comment: Not observed at significant frequency in large population cohorts (gnomAD); Has not been previously published as pathogenic or benign to our knowledge; In silico analysis suggests this variant may impact gene splicing. In the absence of RNA/functional studies, the actual effect of this sequence change is unknown.

NM_000256.3(MYBPC3):c.1734G>A (p.Leu578=)

Gene: MYBPC3 (myosin binding protein C3; minus strand). Cytogenetic location: 11p11.2.
Variant type: single nucleotide variant.
Coding change: c.1734G>A on transcript NM_000256.3 (MANE Select); coding-DNA position 1734, G replaced by A.
Protein change: p.Leu578=; no amino-acid change (leucine 578 retained).
Molecular consequence: synonymous variant.
Genome position (GRCh38, 1-based): chr11:47,342,047, C>T on the plus strand (G>A on the coding strand, the complement: MYBPC3 is on the minus strand). VCF-style: chr11-47342047-C-T. GRCh37 (hg19) VCF-style: chr11-47363598-C-T.
Identifiers: ClinVar variation 3383854 (VCV003383854.1).
Genomic context (GRCh38, chr11:47,342,047, plus strand): 5'-TCACCGCCCGATGTGGGACACCTTTATGCGGCTGTCGGGCACCAGCTCCTTCCCATTCTT[C>T]AGCCACACACCCCGAACATTCTCATCTGAGACCTCACATTTGAACACCGCCTGGTCCTTT-3'
Protein context (NP_000247.2, residues 568-588): VSDENVRGVW[Leu578=]KNGKELVPDS